The following is an entry in ClinVar:

ClinVar aggregate classification (germline): Uncertain significance. Review status: criteria provided, multiple submitters, no conflicts (2 of 4 stars). 3 submissions from 3 submitters: Uncertain significance (3). Last evaluated 2025-08-13.

Conditions:
Inborn genetic diseases. Identifiers: MedGen C0950123, MeSH D030342.
Fanconi anemia (FA). Also called: Fanconi's anemia. Identifiers: Orphanet 84, MedGen C0015625, MeSH D005199, MONDO:0019391.
Fanconi anemia complementation group I (FANCI). Also called: FANCI-Related Fanconi Anemia. Identifiers: Orphanet 84, MedGen C1836861, MONDO:0012186, OMIM 609053.

Allele frequency attached by ClinVar (database versions not stated): gnomAD 0.00001; TOPMed 0.00001; ExAC 0.00008; gnomAD exomes 0.00008.
gnomAD v4.1: 30 of 1,613,900 alleles (0.0019%); highest among the groups gnomAD compares: South Asian, 0.027%; no homozygotes.

Submissions (3):

Ambry Genetics
Classification: Uncertain significance for Inborn genetic diseases. Last evaluated: 2025-08-13. Review status: criteria provided, single submitter. Criteria: Ambry Variant Classification Scheme 2023. Collection method: clinical testing. Allele origin: germline.

Labcorp Genetics (formerly Invitae), Labcorp
Classification: Uncertain significance for Fanconi anemia. Last evaluated: 2022-02-08. Review status: criteria provided, single submitter. Criteria: Invitae Variant Classification Sherloc (09022015). Collection method: clinical testing. Allele origin: germline.
Comment: This sequence change replaces alanine, which is neutral and non-polar, with proline, which is neutral and non-polar, at codon 1237 of the FANCI protein (p.Ala1237Pro). This variant is present in population databases (rs751025656, gnomAD 0.06%). This variant has not been reported in the literature in individuals affected with FANCI-related conditions. Algorithms developed to predict the effect of missense changes on protein structure and function output the following: SIFT: "Tolerated"; PolyPhen-2: "Benign"; Align-GVGD: "Class C0". The proline amino acid residue is found in multiple mammalian species, which suggests that this missense change does not adversely affect protein function. In summary, the available evidence is currently insufficient to determine the role of this variant in disease. Therefore, it has been classified as a Variant of Uncertain Significance.

Center for Genomics, Ann and Robert H. Lurie Children's Hospital of Chicago
Classification: Uncertain significance for Fanconi anemia complementation group I. Last evaluated: 2021-03-18. Review status: criteria provided, single submitter. Criteria: ACMG Guidelines, 2015. Collection method: clinical testing. Allele origin: germline.
Comment: FANCI NM_001113378.1 exon 35 p.Ala1237Pro (c.3709G>C): This variant has not been reported in the literature but is present in 0.001% (1/68018) of European alleles in the Genome Aggregation Database. This variant amino acid Proline (Pro) is present in several species including multiple mammals and is not well conserved among evolutionarily distant species; this suggests that this variant may not impact the protein. Additional computational prediction tools do not suggest an impact. In summary, data on this variant is insufficient for disease classification. Therefore, the clinical significance of this variant is uncertain.

NM_001113378.2(FANCI):c.3709G>C (p.Ala1237Pro)

Gene: FANCI (FA complementation group I; plus strand). Cytogenetic location: 15q26.1.
Variant type: single nucleotide variant.
Coding change: c.3709G>C on transcript NM_001113378.2 (MANE Select); coding-DNA position 3709, G replaced by C.
Protein change: p.Ala1237Pro; replaces alanine 1237 with proline.
Molecular consequence: missense variant.
Genome position (GRCh38, 1-based): chr15:89,312,961, G>C. VCF-style: chr15-89312961-G-C. GRCh37 (hg19) VCF-style: chr15-89856192-G-C.
Other names: c.3430G>C, p.Ala1144Pro (NM_001376910.1); c.3709G>C, p.Ala1237Pro (NM_001376911.1); c.3529G>C, p.Ala1177Pro (NM_018193.3); c.3709G>C (NM_001113378.1); short protein forms A1144P, A1177P, A1237P.
Identifiers: ClinVar variation 1675074 (VCV001675074.6), dbSNP rs751025656, ClinGen allele CA7723844.